The following is an entry in ClinVar:

ClinVar aggregate classification (germline): Uncertain significance (1 of 4 stars; one submission).

Conditions:
Perlman syndrome (PRLMNS). Identifiers: Orphanet 2849, MedGen C0796113, MONDO:0009965, OMIM 267000.

Submission:

Labcorp Genetics (formerly Invitae), Labcorp
Classification: Uncertain significance for Perlman syndrome. Last evaluated: 2023-05-23. Review status: criteria provided, single submitter. Criteria: Invitae Variant Classification Sherloc (09022015). Collection method: clinical testing. Allele origin: germline.
Comment: This sequence change replaces methionine, which is neutral and non-polar, with isoleucine, which is neutral and non-polar, at codon 500 of the DIS3L2 protein (p.Met500Ile). This variant is not present in population databases (gnomAD no frequency). This variant has not been reported in the literature in individuals affected with DIS3L2-related conditions. Advanced modeling of protein sequence and biophysical properties (such as structural, functional, and spatial information, amino acid conservation, physicochemical variation, residue mobility, and thermodynamic stability) performed at Invitae indicates that this missense variant is not expected to disrupt DIS3L2 protein function. In summary, the available evidence is currently insufficient to determine the role of this variant in disease. Therefore, it has been classified as a Variant of Uncertain Significance.

NM_152383.5(DIS3L2):c.1500G>A (p.Met500Ile)

Gene: DIS3L2 (DIS3 like 3'-5' exoribonuclease 2; plus strand). Cytogenetic location: 2q37.1.
Variant type: single nucleotide variant.
Coding change: c.1500G>A on transcript NM_152383.5 (MANE Select); coding-DNA position 1500, G replaced by A.
Protein change: p.Met500Ile; replaces methionine 500 with isoleucine.
Molecular consequence: missense variant. On other transcripts: non-coding transcript variant (2).
Genome position (GRCh38, 1-based): chr2:232,263,281, G>A. VCF-style: chr2-232263281-G-A. GRCh37 (hg19) VCF-style: chr2-233127991-G-A.
Other names: c.1500G>A, p.Met500Ile (NM_001257281.2); short protein forms M500I.
Identifiers: ClinVar variation 2797404 (VCV002797404.3), dbSNP rs2470079167, ClinGen allele CA350975376.